The following is an entry in ClinVar:

ClinVar aggregate classification (germline): Pathogenic. Review status: criteria provided, multiple submitters, no conflicts (2 of 4 stars). 6 submissions from 6 submitters: Pathogenic (5). 1 of the submissions does not count toward it. Last evaluated 2026-01-20.

Conditions:
Fanconi anemia (FA). Also called: Fanconi's anemia. Identifiers: Orphanet 84, MedGen C0015625, MeSH D005199, MONDO:0019391.
Fanconi anemia complementation group A (FANCA). Also called: FANCA-Related Fanconi Anemia; Fanconi anemia, group A. Identifiers: Orphanet 84, MedGen C3469521, MONDO:0009215, OMIM 227650.

Submissions (6):

Myriad Genetics, Inc.
Classification: Pathogenic for Fanconi anemia complementation group A. Last evaluated: 2026-01-20. Review status: criteria provided, single submitter. Criteria: Myriad Autosomal Dominant, Autosomal Recessive and X-Linked Classification Criteria (2023). Collection method: clinical testing. Allele origin: unknown.
Comment: NM_000135.2(FANCA):c.1340C>G(S447*) is a nonsense variant classified as pathogenic in the context of Fanconi anemia complementation group A. S447* has been observed in a case with relevant disease (PMID: 33510405). Relevant functional assessments of this variant are not available in the literature. S447* has not been observed in referenced population frequency databases. In summary, NM_000135.2(FANCA):c.1340C>G(S447*) is a nonsense variant in a gene where loss of function is a known mechanism of disease, is predicted to disrupt protein function, and has been observed more frequently in cases with the relevant disease than in healthy populations. Please note: this variant was assessed in the context of healthy population screening.

Labcorp Genetics (formerly Invitae), Labcorp
Classification: Pathogenic for Fanconi anemia. Last evaluated: 2025-03-04. Review status: criteria provided, single submitter. Criteria: Invitae Variant Classification Sherloc (09022015). Collection method: clinical testing. Allele origin: germline.
Comment: This sequence change creates a premature translational stop signal (p.Ser447*) in the FANCA gene. It is expected to result in an absent or disrupted protein product. Loss-of-function variants in FANCA are known to be pathogenic (PMID: 19367192). This variant is not present in population databases (gnomAD no frequency). This variant has not been reported in the literature in individuals affected with FANCA-related conditions. ClinVar contains an entry for this variant (Variation ID: 435132). For these reasons, this variant has been classified as Pathogenic.

Fulgent Genetics
Classification: Pathogenic for Fanconi anemia complementation group A. Last evaluated: 2024-01-02. Review status: criteria provided, single submitter. Criteria: ACMG Guidelines, 2015. Collection method: clinical testing. Allele origin: germline.

Genetic Services Laboratory, University of Chicago
Classification: Pathogenic for Fanconi anemia, complementation group A. Last evaluated: 2016-09-28. Review status: criteria provided, single submitter. Criteria: ACMG Guidelines, 2015. Collection method: clinical testing. Allele origin: germline. Affected: yes.

Juno Genomics, Hangzhou Juno Genomics, Inc
Classification: Pathogenic for Fanconi anemia complementation group A. Review status: criteria provided, single submitter. Criteria: ACMG Guidelines, 2015. Collection method: clinical testing. Allele origin: germline.
Comment: Absent from controls (or at extremely low frequency if recessive) in Genome Aggregation Database.;Null variant in a gene where loss of function (LOF) is a known mechanism of disease.;For recessive disorders, detected in trans with a pathogenic variant.

Leiden Open Variation Database
Classification: Uncertain significance for Fanconi anemia complementation group A. Last evaluated: 2020-02-28. Review status: no assertion criteria provided. Collection method: curation. Allele origin: germline. Affected: yes. Not counted in ClinVar's aggregate classification.
Comment: Curator: Arleen D. Auerbach. Submitter to LOVD: Arleen D. Auerbach.

Literature cited by the submitters: PubMed 33510405 (cited by Myriad Genetics, Inc.); PubMed 19367192 (cited by Labcorp Genetics (formerly Invitae), Labcorp).

NM_000135.4(FANCA):c.1340C>G (p.Ser447Ter)

Gene: FANCA (FA complementation group A; minus strand). Cytogenetic location: 16q24.3.
Variant type: single nucleotide variant.
Coding change: c.1340C>G on transcript NM_000135.4 (MANE Select); coding-DNA position 1340, C replaced by G.
Protein change: p.Ser447Ter; replaces serine 447 with a stop codon.
Molecular consequence: nonsense.
Genome position (GRCh38, 1-based): chr16:89,791,422, G>C on the plus strand (C>G on the coding strand, the complement: FANCA is on the minus strand). VCF-style: chr16-89791422-G-C. GRCh37 (hg19) VCF-style: chr16-89857830-G-C.
Other names: c.1340C>G (LRG_495t1); c.1340C>G, p.Ser447Ter (NM_001286167.3); short protein forms S447*.
Identifiers: ClinVar variation 435132 (VCV000435132.16), dbSNP rs149551759, ClinGen allele CA397463723.